The following is an entry in ClinVar:

NM_020699.4(GATAD2B):c.1216+3A>T

Gene: GATAD2B (GATA zinc finger domain containing 2B; minus strand). Cytogenetic location: 1q21.3.
Variant type: single nucleotide variant.
Coding change: c.1216+3A>T on transcript NM_020699.4 (MANE Select); 3 bases into the intron after coding-DNA position 1216, A replaced by T.
Molecular consequence: intron variant.
Genome position (GRCh38, 1-based): chr1:153,816,270, T>A on the plus strand (A>T on the coding strand, the complement: GATAD2B is on the minus strand). VCF-style: chr1-153816270-T-A. GRCh37 (hg19) VCF-style: chr1-153788746-T-A.
Identifiers: ClinVar variation 4057060 (VCV004057060.1).

ClinVar aggregate classification (germline): Uncertain significance (1 of 4 stars; one submission).

Submission:

GeneDx
Classification: Uncertain significance. Last evaluated: 2025-01-08. Review status: criteria provided, single submitter. Criteria: GeneDx Variant Classification Process June 2021. Collection method: clinical testing. Allele origin: germline. Affected: yes.
Comment: Not observed at significant frequency in large population cohorts (gnomAD); Has not been previously published as pathogenic or benign to our knowledge; In silico analysis suggests this variant may impact gene splicing. In the absence of RNA/functional studies, the actual effect of this sequence change is unknown..